The following is an entry in ClinVar:

ClinVar aggregate classification (germline): Uncertain significance (1 of 4 stars; one submission).

Conditions:
Inborn genetic diseases. Identifiers: MedGen C0950123, MeSH D030342.

Submission:

Ambry Genetics
Classification: Uncertain significance for Inborn genetic diseases. Last evaluated: 2023-01-24. Review status: criteria provided, single submitter. Criteria: Ambry Variant Classification Scheme 2023. Collection method: clinical testing. Allele origin: germline.
Comment: The c.2948G>T (p.G983V) alteration is located in exon 15 (coding exon 14) of the KAT6A gene. This alteration results from a G to T substitution at nucleotide position 2948, causing the glycine (G) at amino acid position 983 to be replaced by a valine (V). This variant was not reported in population-based cohorts in the Genome Aggregation Database (gnomAD). This amino acid position is not well conserved in available vertebrate species. This alteration is predicted to be tolerated by in silico analysis. Based on insufficient or conflicting evidence, the clinical significance of this alteration remains unclear.

NM_006766.5(KAT6A):c.2948G>T (p.Gly983Val)

Gene: KAT6A (lysine acetyltransferase 6A; minus strand). Cytogenetic location: 8p11.21.
Variant type: single nucleotide variant.
Coding change: c.2948G>T on transcript NM_006766.5 (MANE Select); coding-DNA position 2948, G replaced by T.
Protein change: p.Gly983Val; replaces glycine 983 with valine.
Molecular consequence: missense variant.
Genome position (GRCh38, 1-based): chr8:41,940,933, C>A on the plus strand (G>T on the coding strand, the complement: KAT6A is on the minus strand). VCF-style: chr8-41940933-C-A. GRCh37 (hg19) VCF-style: chr8-41798451-C-A.
Other names: short protein forms G983V.
Identifiers: ClinVar variation 2478867 (VCV002478867.2), dbSNP rs2486770611, ClinGen allele CA371071319.